The following is an entry in ClinVar:

NM_058195.4(CDKN2A):c.142A>T (p.Met48Leu)

Gene: CDKN2A (cyclin dependent kinase inhibitor 2A; minus strand). Cytogenetic location: 9p21.3.
Variant type: single nucleotide variant.
Coding change: c.142A>T on transcript NM_058195.4 (MANE Plus Clinical); coding-DNA position 142, A replaced by T.
Protein change: p.Met48Leu; replaces methionine 48 with leucine.
Molecular consequence: missense variant. On other transcripts: intron variant (1).
Genome position (GRCh38, 1-based): chr9:21,994,190, T>A on the plus strand (A>T on the coding strand, the complement: CDKN2A is on the minus strand). VCF-style: chr9-21994190-T-A. GRCh37 (hg19) VCF-style: chr9-21994189-T-A.
Other names: c.-4+631A>T (NM_001363763.2); short protein forms M48L.
Identifiers: ClinVar variation 3228935 (VCV003228935.1), dbSNP rs1820528622, ClinGen allele CA373086868.

ClinVar aggregate classification (germline): Uncertain significance (1 of 4 stars; one submission).

Conditions:
Hereditary cancer-predisposing syndrome. Also called: Tumor predisposition; Hereditary Cancer Syndrome; Hereditary neoplastic syndrome; Neoplastic Syndromes, Hereditary. Identifiers: Orphanet 140162, MedGen C0027672, MeSH D009386, MONDO:0015356.

Allele frequency attached by ClinVar (database versions not stated): gnomAD exomes below 0.00001.
gnomAD v4.1: 3 of 1,606,112 alleles (0.00019%); highest among the groups gnomAD compares: South Asian, 0.0022%; no homozygotes.

Submission:

Ambry Genetics
Classification: Uncertain significance for Hereditary cancer-predisposing syndrome. Last evaluated: 2023-09-20. Review status: criteria provided, single submitter. Criteria: Ambry Variant Classification Scheme 2023. Collection method: clinical testing. Allele origin: germline.
Comment: The p.M48L variant (also known as c.142A>T), located in coding exon 1 of the CDKN2A (p14ARF) gene, results from an A to T substitution at nucleotide position 142. The methionine at codon 48 is replaced by leucine, an amino acid with highly similar properties. This amino acid position is not well conserved in available vertebrate species. In addition, this alteration is predicted to be tolerated by in silico analysis. Since supporting evidence is limited at this time, the clinical significance of this alteration remains unclear.